The following is an entry in ClinVar:

NM_016604.4(KDM3B):c.1493C>T (p.Thr498Ile)

Gene: KDM3B (lysine demethylase 3B; plus strand). Cytogenetic location: 5q31.2.
Variant type: single nucleotide variant.
Coding change: c.1493C>T on transcript NM_016604.4 (MANE Select); coding-DNA position 1493, C replaced by T.
Protein change: p.Thr498Ile; replaces threonine 498 with isoleucine.
Molecular consequence: missense variant.
Genome position (GRCh38, 1-based): chr5:138,391,125, C>T. VCF-style: chr5-138391125-C-T. GRCh37 (hg19) VCF-style: chr5-137726814-C-T.
Other names: short protein forms T498I.
Identifiers: ClinVar variation 4989680 (VCV004989680.1).

ClinVar aggregate classification (germline): Likely benign (1 of 4 stars; one submission).

Conditions:
KDM3B-related disorder. Also called: KDM3B-related condition.

gnomAD v4.1: 22 of 1,614,046 alleles (0.0014%); highest among the groups gnomAD compares: Non-Finnish European, 0.00034%; no homozygotes.

Submission:

PreventionGenetics, part of Exact Sciences
Classification: Likely benign for KDM3B-related condition. Last evaluated: 2025-09-25. Review status: criteria provided, single submitter. Criteria: ACMG Guidelines, 2015. Collection method: clinical testing. Allele origin: germline.
Comment: This variant is classified as likely benign based on ACMG/AMP sequence variant interpretation guidelines (Richards et al. 2015 PMID: 25741868, with internal and published modifications).